The following is an entry in ClinVar:

ClinVar aggregate classification (germline): Uncertain significance (1 of 4 stars; one submission).

Conditions:
Hereditary cancer-predisposing syndrome. Also called: Tumor predisposition; Neoplastic Syndromes, Hereditary; Hereditary Cancer Syndrome; Hereditary neoplastic syndrome. Identifiers: Orphanet 140162, MedGen C0027672, MeSH D009386, MONDO:0015356.

Submission:

Ambry Genetics
Classification: Uncertain significance for Hereditary cancer-predisposing syndrome. Last evaluated: 2024-12-22. Review status: criteria provided, single submitter. Criteria: Ambry Variant Classification Scheme 2023. Collection method: clinical testing. Allele origin: germline.
Comment: The p.Q644E variant (also known as c.1930C>G), located in coding exon 13 of the NBN gene, results from a C to G substitution at nucleotide position 1930. The glutamine at codon 644 is replaced by glutamic acid, an amino acid with highly similar properties. This amino acid position is conserved. In addition, this alteration is predicted to be tolerated by in silico analysis. Based on the available evidence, the clinical significance of this variant remains unclear.

NM_002485.5(NBN):c.1930C>G (p.Gln644Glu)

Gene: NBN (nibrin; minus strand). Cytogenetic location: 8q21.3.
Variant type: single nucleotide variant.
Coding change: c.1930C>G on transcript NM_002485.5 (MANE Select); coding-DNA position 1930, C replaced by G.
Protein change: p.Gln644Glu; replaces glutamine 644 with glutamic acid.
Molecular consequence: missense variant.
Genome position (GRCh38, 1-based): chr8:89,946,280, G>C on the plus strand (C>G on the coding strand, the complement: NBN is on the minus strand). VCF-style: chr8-89946280-G-C. GRCh37 (hg19) VCF-style: chr8-90958508-G-C.
Other names: c.1684C>G, p.Gln562Glu (NM_001024688.3); short protein forms Q562E, Q644E.
Identifiers: ClinVar variation 3877892 (VCV003877892.1).
Genomic context (GRCh38, chr8:89,946,280, plus strand): 5'-TCACCAGTGATCTAAATTCAGTCAATAACAGCTTTTTTGGAAGCATCTCACTATCATCCT[G>C]AAGTTTGTCATTGTTCTTAAATGGGGTTAAGATGGATAGGTAAGAAAGAGAAGAAATAAC-3'
Protein context (NP_002476.2, residues 634-654): AKEISNNDKL[Gln644Glu]DDSEMLPKKL